The following is an entry in ClinVar:

ClinVar aggregate classification (germline): Uncertain significance (1 of 4 stars; one submission).

Conditions:
Merosin deficient congenital muscular dystrophy (MDC1A). Also called: Congenital merosin-deficient muscular dystrophy 1A; Congenital Muscular Dystrophy Type 1A (MDC1A). Identifiers: Orphanet 258, MedGen C1263858, MONDO:0011925, OMIM 607855.

Allele frequency attached by ClinVar (database versions not stated): gnomAD exomes below 0.00001; ExAC 0.00001.
gnomAD v4.1: 6 of 1,612,654 alleles (0.00037%); highest among the groups gnomAD compares: Middle Eastern, 0.033%; no homozygotes.

Submission:

Neuberg Centre For Genomic Medicine, NCGM
Classification: Uncertain significance for Merosin deficient congenital muscular dystrophy. Review status: criteria provided, single submitter. Criteria: ACMG Guidelines, 2015. Collection method: clinical testing. Allele origin: germline. Inheritance: Autosomal recessive inheritance. Affected: yes.
Comment: The missense variant c.781A>G p.Lys261Glu in the LAMA2 gene has not been reported previously as a pathogenic variant nor as a benign variant, to our knowledge. This variant is reported with the allele frequency 0.0007% in the gnomAD Exomes and novel not in any individuals in 1000 Genomes. The amino acid Lysine at position 261 is changed to a Glutamic Acid changing protein sequence and it might alter its composition and physico-chemical properties. The variant is predicted as damaging by SIFT. The amino acid change p.Lys261Glu in LAMA2 is predicted as conserved by GERP++ and PhyloP across 100 vertebrates. For these reasons, this variant has been classified as Uncertain Significance.

NM_000426.4(LAMA2):c.781A>G (p.Lys261Glu)

Gene: LAMA2 (laminin subunit alpha 2; plus strand). Cytogenetic location: 6q22.33.
Variant type: single nucleotide variant.
Coding change: c.781A>G on transcript NM_000426.4 (MANE Select); coding-DNA position 781, A replaced by G.
Protein change: p.Lys261Glu; replaces lysine 261 with glutamic acid.
Molecular consequence: missense variant.
Genome position (GRCh38, 1-based): chr6:129,144,042, A>G. VCF-style: chr6-129144042-A-G. GRCh37 (hg19) VCF-style: chr6-129465187-A-G.
Other names: c.781A>G, p.Lys261Glu (NM_001079823.2); short protein forms K261E.
Identifiers: ClinVar variation 3234953 (VCV003234953.1), dbSNP rs781316719, ClinGen allele CA3992424.